The following is an entry in ClinVar:

ClinVar aggregate classification (germline): Uncertain significance (1 of 4 stars; one submission).

Submission:

CeGaT Center for Human Genetics Tuebingen
Classification: Uncertain significance. Last evaluated: 2024-05-01. Review status: criteria provided, single submitter. Criteria: CeGaT Center For Human Genetics Tuebingen Variant Classification Criteria Version 2. Collection method: clinical testing. Allele origin: germline. Affected: yes. Observed: 1 variant allele.
Comment: TTN: PM2, PM4:Supporting

NM_001267550.2(TTN):c.791_793del (p.Arg264_Ser265delinsThr)

Gene: TTN (titin; minus strand). Cytogenetic location: 2q31.2.
Variant type: Deletion.
Coding change: c.791_793del on transcript NM_001267550.2 (MANE Select); coding-DNA positions 791 to 793, 3 bases deleted (GAT; older notation c.791_793delGAT).
Protein change: p.Arg264_Ser265delinsThr.
Molecular consequence: inframe indel.
Genome position (GRCh38, 1-based): chr2:178,799,608-178,799,610, ATC deleted on the plus strand (GAT on the coding strand, the reverse complement: TTN is on the minus strand). VCF-style (leftmost placement, unchanged base first): chr2-178799607-GATC-G. GRCh37 (hg19) VCF-style: chr2-179664334-GATC-G.
Other names: c.791_793del, p.Arg264_Ser265delinsThr (NM_001256850.1, NM_003319.4, NM_133378.4 and 3 more transcripts).
Identifiers: ClinVar variation 3239415 (VCV003239415.19), dbSNP rs2534307384.
Genomic context (GRCh38, chr2:178,799,607, plus strand): 5'-GGCGATGGGGACTGCTGCCGAGCCAGCTGTGCTTTGGCAGCAATAGACGGTGGTGTTGGG[GATC>G]TTGACTTTGGCTTCGGAGGAATCCTGGGAGGTGTTTTATGTGGCAGCTGTTGCCCAGCGG-3'